The following is an entry in ClinVar:

ClinVar aggregate classification (germline): Uncertain significance. Review status: criteria provided, multiple submitters, no conflicts (2 of 4 stars). 2 submissions from 2 submitters: Uncertain significance (2). Last evaluated 2023-10-01.

Conditions:
Retinal dystrophy. Also called: Inherited retinal dystrophy. Identifiers: Orphanet 71862, MedGen C0854723, MeSH D058499, MONDO:0019118, HP:0000556.

Allele frequency attached by ClinVar (database versions not stated): TOPMed below 0.00001; gnomAD 0.00001.
gnomAD v4.1: 4 of 1,613,424 alleles (0.00025%); highest among the groups gnomAD compares: East Asian, 0.0045%; no homozygotes.

Submissions (2):

Dept Of Ophthalmology, Nagoya University
Classification: Uncertain significance for Retinal dystrophy. Last evaluated: 2023-10-01. Review status: criteria provided, single submitter. Criteria: Submitter's publication. Collection method: research. Allele origin: germline. Affected: yes.

GeneDx
Classification: Uncertain significance. Last evaluated: 2022-11-22. Review status: criteria provided, single submitter. Criteria: GeneDx Variant Classification Process June 2021. Collection method: clinical testing. Allele origin: germline. Affected: yes.
Comment: Not observed at significant frequency in large population cohorts (gnomAD); In silico analysis supports that this missense variant has a deleterious effect on protein structure/function; Has not been previously published as pathogenic or benign to our knowledge

NM_178857.6(RP1L1):c.94C>T (p.Pro32Ser)

Gene: RP1L1 (RP1 like 1). Cytogenetic location: 8p23.1.
Variant type: single nucleotide variant.
Coding change: c.94C>T on transcript NM_178857.6 (MANE Select); coding-DNA position 94, C replaced by T.
Protein change: p.Pro32Ser; replaces proline 32 with serine.
Molecular consequence: missense variant.
Genome position (GRCh38, 1-based): chr8:10,623,108, G>A on the plus strand (C>T on the coding strand, the complement: RP1L1 is on the minus strand). VCF-style: chr8-10623108-G-A. GRCh37 (hg19) VCF-style: chr8-10480618-G-A.
Other names: short protein forms P32S.
Identifiers: ClinVar variation 2502537 (VCV002502537.2), dbSNP rs777946442, ClinGen allele CA370301119.